The following is an entry in ClinVar:

NM_002075.4(GNB3):c.916+3A>G

Genes: CDCA3 (cell division cycle associated 3; minus strand), GNB3 (G protein subunit beta 3; plus strand). Cytogenetic location: 12p13.31.
Variant type: single nucleotide variant.
Coding change: c.916+3A>G on transcript NM_002075.4 (MANE Select); 3 bases into the intron after coding-DNA position 916, A replaced by G.
Molecular consequence: intron variant. On other transcripts: 3 prime UTR variant (1).
Genome position (GRCh38, 1-based): chr12:6,845,805, A>G. VCF-style: chr12-6845805-A-G. GRCh37 (hg19) VCF-style: chr12-6954969-A-G.
Other names: c.*983T>C (NM_001297603.3); c.913+3A>G (NM_001297571.2).
Identifiers: ClinVar variation 3677480 (VCV003677480.2).
Genomic context (GRCh38, chr12:6,845,805, plus strand): 5'-GCTGGCTACGACGACTTCAACTGCAATGTCTGGGACTCCATGAAGTCTGAGCGTGTGGGT[A>G]AGGGCCAGCCCTGGCTGCTGCTTCCTCAGCTGGAAGGACCCTCCCCAGCCCTCCCTCCCC-3'

ClinVar aggregate classification (germline): Uncertain significance (1 of 4 stars; one submission).

gnomAD v4.1: 1 of 1,606,970 alleles (0.000062%); highest among the groups gnomAD compares: Admixed American, 0.0017%; no homozygotes.

Submission:

Labcorp Genetics (formerly Invitae), Labcorp
Classification: Uncertain significance. Last evaluated: 2024-03-24. Review status: criteria provided, single submitter. Criteria: Invitae Variant Classification Sherloc (09022015). Collection method: clinical testing. Allele origin: germline.
Comment: This sequence change falls in intron 9 of the GNB3 gene. It does not directly change the encoded amino acid sequence of the GNB3 protein. It affects a nucleotide within the consensus splice site. This variant is not present in population databases (gnomAD no frequency). This variant has not been reported in the literature in individuals affected with GNB3-related conditions. Variants that disrupt the consensus splice site are a relatively common cause of aberrant splicing (PMID: 17576681, 9536098). Algorithms developed to predict the effect of sequence changes on RNA splicing suggest that this variant may disrupt the consensus splice site. In summary, the available evidence is currently insufficient to determine the role of this variant in disease. Therefore, it has been classified as a Variant of Uncertain Significance.

Literature cited by the submitters: PubMed 17576681; PubMed 9536098.